The following is an entry in ClinVar:

NM_014283.5(SUCO):c.470C>T (p.Pro157Leu)

Gene: SUCO (SUN domain containing ossification factor; plus strand). Cytogenetic location: 1q24.3.
Variant type: single nucleotide variant.
Coding change: c.470C>T on transcript NM_014283.5 (MANE Select); coding-DNA position 470, C replaced by T.
Protein change: p.Pro157Leu; replaces proline 157 with leucine.
Molecular consequence: missense variant. On other transcripts: 5 prime UTR variant (1).
Genome position (GRCh38, 1-based): chr1:172,557,306, C>T. VCF-style: chr1-172557306-C-T. GRCh37 (hg19) VCF-style: chr1-172526446-C-T.
Other names: c.359C>T, p.Pro120Leu (NM_001282750.2); c.-1060C>T (NM_001282751.2); c.944C>T, p.Pro315Leu (NM_016227.4); c.470C>T (NM_014283.3); short protein forms P157L, P120L, P315L.
Identifiers: ClinVar variation 1348407 (VCV001348407.8), dbSNP rs200787187, ClinGen allele CA1246568.

ClinVar aggregate classification (germline): Uncertain significance. Review status: criteria provided, multiple submitters, no conflicts (2 of 4 stars). 2 submissions from 2 submitters: Uncertain significance (2). Last evaluated 2025-12-23.

Allele frequency attached by ClinVar (database versions not stated): gnomAD exomes 0.00004 and 0.00005; ExAC 0.00010; gnomAD 0.00023 and 0.00026; ESP Exome Variant Server 0.00038; TOPMed 0.00040.
gnomAD v4.1: 95 of 1,613,388 alleles (0.0059%); highest among the groups gnomAD compares: African/African-American, 0.087%; no homozygotes.

Submissions (2):

Labcorp Genetics (formerly Invitae), Labcorp
Classification: Uncertain significance. Last evaluated: 2025-12-23. Review status: criteria provided, single submitter. Criteria: Invitae Variant Classification Sherloc (09022015). Collection method: clinical testing. Allele origin: germline.
Comment: This sequence change replaces proline, which is neutral and non-polar, with leucine, which is neutral and non-polar, at codon 157 of the SUCO protein (p.Pro157Leu). This variant is present in population databases (rs200787187, gnomAD 0.09%), and has an allele count higher than expected for a pathogenic variant. This variant has not been reported in the literature in individuals affected with SUCO-related conditions. ClinVar contains an entry for this variant (Variation ID: 1348407). An algorithm developed to predict the effect of missense changes on protein structure and function outputs the following: PolyPhen-2: "Benign". The leucine amino acid residue is found in multiple mammalian species, which suggests that this missense change does not adversely affect protein function. In summary, the available evidence is currently insufficient to determine the role of this variant in disease. Therefore, it has been classified as a Variant of Uncertain Significance.

Ambry Genetics
Classification: Uncertain significance. Last evaluated: 2024-07-26. Review status: criteria provided, single submitter. Criteria: Ambry Variant Classification Scheme 2023. Collection method: clinical testing. Allele origin: germline.